The following is an entry in ClinVar:

ClinVar aggregate classification (germline): Uncertain significance (1 of 4 stars; one submission).

Conditions:
Familial adenomatous polyposis 1 (FAP1). Also called: FAMILIAL ADENOMATOUS POLYPOSIS 1, ATTENUATED; POLYPOSIS, ADENOMATOUS INTESTINAL. Identifiers: MedGen C2713442, MONDO:0021056, OMIM 175100. Disease mechanism: loss of function.

Submission:

Labcorp Genetics (formerly Invitae), Labcorp
Classification: Uncertain significance for Familial adenomatous polyposis 1. Last evaluated: 2025-09-15. Review status: criteria provided, single submitter. Criteria: Invitae Variant Classification Sherloc (09022015). Collection method: clinical testing. Allele origin: germline.
Comment: This sequence change replaces valine, which is neutral and non-polar, with alanine, which is neutral and non-polar, at codon 617 of the APC protein (p.Val617Ala). This variant is not present in population databases (gnomAD no frequency). This variant has not been reported in the literature in individuals affected with APC-related conditions. ClinVar contains an entry for this variant (Variation ID: 3615262). Invitae Evidence Modeling of protein sequence and biophysical properties (such as structural, functional, and spatial information, amino acid conservation, physicochemical variation, residue mobility, and thermodynamic stability) indicates that this missense variant is not expected to disrupt APC protein function with a negative predictive value of 95%. In summary, the available evidence is currently insufficient to determine the role of this variant in disease. Therefore, it has been classified as a Variant of Uncertain Significance.

NM_000038.6(APC):c.1850T>C (p.Val617Ala)

Gene: APC (APC regulator of Wnt signaling pathway; plus strand). Cytogenetic location: 5q22.2.
Variant type: single nucleotide variant.
Coding change: c.1850T>C on transcript NM_000038.6 (MANE Select); coding-DNA position 1850, T replaced by C.
Protein change: p.Val617Ala; replaces valine 617 with alanine.
Molecular consequence: missense variant. On other transcripts: non-coding transcript variant (2).
Genome position (GRCh38, 1-based): chr5:112,835,057, T>C. VCF-style: chr5-112835057-T-C. GRCh37 (hg19) VCF-style: chr5-112170754-T-C.
Other names: c.1850T>C, p.Val617Ala (NM_001127510.3, NM_001354895.2, NM_001407450.1); c.1796T>C, p.Val599Ala (NM_001127511.3); c.1904T>C, p.Val635Ala (NM_001354896.2, NM_001407447.1, NM_001407448.1 and 1 more transcripts); c.1880T>C, p.Val627Ala (NM_001354897.2); c.1775T>C, p.Val592Ala (NM_001354898.2); c.1766T>C, p.Val589Ala (NM_001354899.2); c.1727T>C, p.Val576Ala (NM_001354900.2); c.1673T>C, p.Val558Ala (NM_001354901.2, NM_001407453.1); and 11 more; short protein forms V233A, V334A, V457A, V488A, V491A, V516A, V526A, V534A.
Identifiers: ClinVar variation 3615262 (VCV003615262.2).